The following is an entry in ClinVar:

NM_005611.4(RBL2):c.2785A>C (p.Ser929Arg)

Gene: RBL2 (RB transcriptional corepressor like 2; plus strand). Cytogenetic location: 16q12.2.
Variant type: single nucleotide variant.
Coding change: c.2785A>C on transcript NM_005611.4 (MANE Select); coding-DNA position 2785, A replaced by C.
Protein change: p.Ser929Arg; replaces serine 929 with arginine.
Molecular consequence: missense variant.
Genome position (GRCh38, 1-based): chr16:53,479,895, A>C. VCF-style: chr16-53479895-A-C. GRCh37 (hg19) VCF-style: chr16-53513807-A-C.
Other names: c.2785A>C, p.Ser929Arg (NM_001323608.2); c.2713A>C, p.Ser905Arg (NM_001323609.2); c.2638A>C, p.Ser880Arg (NM_001323610.2); c.2563A>C, p.Ser855Arg (NM_001323611.1); short protein forms S855R, S905R, S929R, S880R.
Identifiers: ClinVar variation 3152146 (VCV003152146.4), dbSNP rs61759889, ClinGen allele CA8056651.

ClinVar aggregate classification (germline): Uncertain significance. Review status: criteria provided, multiple submitters, no conflicts (2 of 4 stars). 2 submissions from 2 submitters: Uncertain significance (2). Last evaluated 2026-07-07.

Allele frequency attached by ClinVar (database versions not stated): gnomAD 0.00019; TOPMed 0.00020; ExAC 0.00030; 1000 Genomes Project 30x 0.00031; ESP Exome Variant Server 0.00031.
gnomAD v4.1: 808 of 1,597,762 alleles (0.051%); highest among the groups gnomAD compares: Non-Finnish European, 0.067%; no homozygotes.

Submissions (2):

GeneDx
Classification: Uncertain significance. Last evaluated: 2026-07-07. Review status: criteria provided, single submitter. Criteria: GeneDx Variant Classification Process June 2021. Collection method: clinical testing. Allele origin: germline.
Comment: In silico analysis supports that this missense variant has a deleterious effect on protein structure/function; Has not been previously published as pathogenic or benign to our knowledge

Ambry Genetics
Classification: Uncertain significance. Last evaluated: 2025-01-07. Review status: criteria provided, single submitter. Criteria: Ambry Variant Classification Scheme 2023. Collection method: clinical testing. Allele origin: germline.